The following is an entry in ClinVar:

ClinVar aggregate classification (germline): Pathogenic. Review status: criteria provided, multiple submitters, no conflicts (2 of 4 stars). 4 submissions from 4 submitters: Pathogenic (4). Last evaluated 2022-07-26.

Conditions:
Becker muscular dystrophy (BMD). Also called: MUSCULAR DYSTROPHY, PSEUDOHYPERTROPHIC PROGRESSIVE, BECKER TYPE; Becker Muscular Dystrophy (BMD). Identifiers: Orphanet 98895, MedGen C0917713, MONDO:0010311, OMIM 300376.
Duchenne muscular dystrophy (DMD). Also called: MUSCULAR DYSTROPHY, PSEUDOHYPERTROPHIC PROGRESSIVE, DUCHENNE TYPE; Duchenne Muscular Dystrophy (DMD). Identifiers: Orphanet 98896, MedGen C0013264, MONDO:0010679, OMIM 310200.
Dilated cardiomyopathy 3B (CMD3B). Also called: CMD3B: DMD-Related Dilated Cardiomyopathy; CARDIOMYOPATHY, DILATED, X-LINKED; DMD-Associated Dilated Cardiomyopathy. Identifiers: Orphanet 154, MedGen C3668940, MONDO:0010542, OMIM 302045.

Submissions (4):

Labcorp Genetics (formerly Invitae), Labcorp
Classification: Pathogenic for Duchenne muscular dystrophy. Last evaluated: 2022-07-26. Review status: criteria provided, single submitter. Criteria: Invitae Variant Classification Sherloc (09022015). Collection method: clinical testing. Allele origin: germline.
Comment: This variant is not present in population databases (gnomAD no frequency). For these reasons, this variant has been classified as Pathogenic. ClinVar contains an entry for this variant (Variation ID: 94597). This premature translational stop signal has been observed in individuals with Duchenne muscular dystrophy (PMID: 18652600, 19937601, 19959795, 20485447, 21396098, 23756440, 26968818). This sequence change creates a premature translational stop signal (p.Gln1194*) in the DMD gene. It is expected to result in an absent or disrupted protein product. Loss-of-function variants in DMD are known to be pathogenic (PMID: 16770791, 25007885).

Revvity Omics, Revvity
Classification: Pathogenic. Last evaluated: 2021-12-27. Review status: criteria provided, single submitter. Criteria: ACMG Guidelines, 2015. Collection method: clinical testing. Allele origin: germline.

Eurofins Ntd Llc (ga)
Classification: Pathogenic. Last evaluated: 2013-05-06. Review status: criteria provided, single submitter. Criteria: EGL Classification Definitions 2015. Collection method: clinical testing. Allele origin: germline. Observed: 2 variant alleles, 1 heterozygote, 1 hemizygote.

Juno Genomics, Hangzhou Juno Genomics, Inc
Classification: Pathogenic for Becker muscular dystrophy; Dilated cardiomyopathy 3B; Duchenne muscular dystrophy. Review status: criteria provided, single submitter. Criteria: ACMG Guidelines, 2015. Collection method: clinical testing. Allele origin: germline.
Comment: Absent from controls (or at extremely low frequency if recessive) in Genome Aggregation Database.;Null variant in a gene where loss of function (LOF) is a known mechanism of disease.;The prevalence of the variant in affected individuals is significantly increased compared to the prevalence in controls.

Literature cited by the submitters: PubMed 18652600 (cited by Labcorp Genetics (formerly Invitae), Labcorp); PubMed 19937601 (cited by Labcorp Genetics (formerly Invitae), Labcorp); PubMed 19959795 (cited by Labcorp Genetics (formerly Invitae), Labcorp); PubMed 20485447 (cited by Labcorp Genetics (formerly Invitae), Labcorp); PubMed 21396098 (cited by Labcorp Genetics (formerly Invitae), Labcorp); PubMed 23756440 (cited by Labcorp Genetics (formerly Invitae), Labcorp); PubMed 26968818 (cited by Labcorp Genetics (formerly Invitae), Labcorp); PubMed 16770791 (cited by Labcorp Genetics (formerly Invitae), Labcorp); PubMed 25007885 (cited by Labcorp Genetics (formerly Invitae), Labcorp).

NM_004006.3(DMD):c.3580C>T (p.Gln1194Ter)

Gene: DMD (dystrophin; minus strand). Cytogenetic location: Xp21.1.
Variant type: single nucleotide variant.
Coding change: c.3580C>T on transcript NM_004006.3 (MANE Select); coding-DNA position 3580, C replaced by T.
Protein change: p.Gln1194Ter; replaces glutamine 1194 with a stop codon.
Molecular consequence: nonsense.
Genome position (GRCh38, 1-based): chrX:32,454,685, G>A on the plus strand (C>T on the coding strand, the complement: DMD is on the minus strand). VCF-style: chrX-32454685-G-A. GRCh37 (hg19) VCF-style: chrX-32472802-G-A.
Other names: NP_003997.1:p.Gln1194*; c.3568C>T, p.Gln1190Ter (NM_004009.3); c.3211C>T, p.Gln1071Ter (NM_004010.3); c.3556C>T, p.Gln1186Ter (NM_000109.4); short protein forms Q1194*, Q1186*, Q1190*, Q1071*.
Identifiers: ClinVar variation 94597 (VCV000094597.19), dbSNP rs398123942, ClinGen allele CA267006.